The following is an entry in ClinVar:

NM_016464.5(TMEM138):c.449C>G (p.Ser150Cys)

Gene: TMEM138 (transmembrane protein 138; plus strand). Cytogenetic location: 11q12.2.
Variant type: single nucleotide variant.
Coding change: c.449C>G on transcript NM_016464.5 (MANE Select); coding-DNA position 449, C replaced by G.
Protein change: p.Ser150Cys; replaces serine 150 with cysteine.
Molecular consequence: missense variant. On other transcripts: non-coding transcript variant (1).
Genome position (GRCh38, 1-based): chr11:61,368,669, C>G. VCF-style: chr11-61368669-C-G. GRCh37 (hg19) VCF-style: chr11-61136141-C-G.
Other names: c.275C>G, p.Ser92Cys (NM_001330281.2); c.*513C>G (NM_001410999.1); short protein forms S150C, S92C.
Identifiers: ClinVar variation 1993171 (VCV001993171.4), dbSNP rs144803456, ClinGen allele CA6034659.

ClinVar aggregate classification (germline): Uncertain significance (1 of 4 stars; one submission).

Conditions:
Joubert syndrome 16 (JBTS16). Identifiers: Orphanet 2318, MedGen C3280906, MONDO:0013764, OMIM 614465.

gnomAD v4.1: 1 of 1,614,044 alleles (0.000062%); highest among the groups gnomAD compares: Non-Finnish European, 0.000085%; no homozygotes.

Submission:

Labcorp Genetics (formerly Invitae), Labcorp
Classification: Uncertain significance for Joubert syndrome 16. Last evaluated: 2022-05-11. Review status: criteria provided, single submitter. Criteria: Invitae Variant Classification Sherloc (09022015). Collection method: clinical testing. Allele origin: germline.
Comment: This sequence change replaces serine, which is neutral and polar, with cysteine, which is neutral and slightly polar, at codon 150 of the TMEM138 protein (p.Ser150Cys). This variant is present in population databases (rs144803456, gnomAD 0.0009%). This variant has not been reported in the literature in individuals affected with TMEM138-related conditions. Algorithms developed to predict the effect of missense changes on protein structure and function are either unavailable or do not agree on the potential impact of this missense change (SIFT: "Deleterious"; PolyPhen-2: "Probably Damaging"; Align-GVGD: "Class C15"). In summary, the available evidence is currently insufficient to determine the role of this variant in disease. Therefore, it has been classified as a Variant of Uncertain Significance.